The following is an entry in ClinVar:

ClinVar aggregate classification (germline): Uncertain significance. Review status: criteria provided, single submitter (1 of 4 stars). 2 submissions from 2 submitters: Uncertain significance (1). 1 of the submissions does not count toward it. Last evaluated 2025-03-19.

Conditions:
Alpha thalassemia-X-linked intellectual disability syndrome (ATRX). Also called: ALPHA-THALASSEMIA/MENTAL RETARDATION SYNDROME, X-LINKED; ATR, NONDELETION TYPE; ATR-X syndrome; Alpha thalassemia mental retardation syndrome, nondeletion type, X-linked; XLMR hypotonic face syndrome; X-linked alpha-thalassemia-mental retardation syndrome. Identifiers: Orphanet 847, MedGen C1845055, MONDO:0010519, OMIM 301040.

gnomAD v4.1: 1 of 1,210,422 alleles (0.000083%); highest among the groups gnomAD compares: Non-Finnish European, 0.00011%; no homozygotes.

Submissions (2):

Labcorp Genetics (formerly Invitae), Labcorp
Classification: Uncertain significance for Alpha thalassemia-X-linked intellectual disability syndrome. Last evaluated: 2025-03-19. Review status: criteria provided, single submitter. Criteria: Invitae Variant Classification Sherloc (09022015). Collection method: clinical testing. Allele origin: germline.
Comment: This sequence change replaces aspartic acid, which is acidic and polar, with glycine, which is neutral and non-polar, at codon 878 of the ATRX protein (p.Asp878Gly). This variant is not present in population databases (gnomAD no frequency). This variant has not been reported in the literature in individuals affected with ATRX-related conditions. ClinVar contains an entry for this variant (Variation ID: 971944). Invitae Evidence Modeling of protein sequence and biophysical properties (such as structural, functional, and spatial information, amino acid conservation, physicochemical variation, residue mobility, and thermodynamic stability) indicates that this missense variant is not expected to disrupt ATRX protein function with a negative predictive value of 95%. In summary, the available evidence is currently insufficient to determine the role of this variant in disease. Therefore, it has been classified as a Variant of Uncertain Significance.

Natera, Inc.
Classification: Uncertain significance for X-linked alpha-thalassemia-mental retardation syndrome. Last evaluated: 2020-03-31. Review status: no assertion criteria provided. Collection method: clinical testing. Allele origin: germline. Not counted in ClinVar's aggregate classification.

NM_000489.6(ATRX):c.2633A>G (p.Asp878Gly)

Gene: ATRX (ATRX chromatin remodeler; minus strand). Cytogenetic location: Xq21.1.
Variant type: single nucleotide variant.
Coding change: c.2633A>G on transcript NM_000489.6 (MANE Select); coding-DNA position 2633, A replaced by G.
Protein change: p.Asp878Gly; replaces aspartic acid 878 with glycine.
Molecular consequence: missense variant.
Genome position (GRCh38, 1-based): chrX:77,682,623, T>C on the plus strand (A>G on the coding strand, the complement: ATRX is on the minus strand). VCF-style: chrX-77682623-T-C. GRCh37 (hg19) VCF-style: chrX-76938115-T-C.
Other names: c.2519A>G, p.Asp840Gly (NM_138270.5); short protein forms D840G, D878G.
Identifiers: ClinVar variation 971944 (VCV000971944.11), dbSNP rs2071285505, ClinGen allele CA413711267.